The following is an entry in ClinVar:

NM_004787.4(SLIT2):c.38T>C (p.Leu13Pro)

Gene: SLIT2 (slit guidance ligand 2; plus strand). Cytogenetic location: 4p15.31.
Variant type: single nucleotide variant.
Coding change: c.38T>C on transcript NM_004787.4 (MANE Select); coding-DNA position 38, T replaced by C.
Protein change: p.Leu13Pro; replaces leucine 13 with proline.
Molecular consequence: missense variant.
Genome position (GRCh38, 1-based): chr4:20,253,853, T>C. VCF-style: chr4-20253853-T-C. GRCh37 (hg19) VCF-style: chr4-20255476-T-C.
Other names: c.38T>C, p.Leu13Pro (NM_001289135.3, NM_001289136.3); short protein forms L13P.
Identifiers: ClinVar variation 3361223 (VCV003361223.1).

ClinVar aggregate classification (germline): Uncertain significance (1 of 4 stars; one submission).

Submission:

GeneDx
Classification: Uncertain significance. Last evaluated: 2023-07-18. Review status: criteria provided, single submitter. Criteria: GeneDx Variant Classification Process June 2021. Collection method: clinical testing. Allele origin: germline. Affected: yes.
Comment: Not observed at significant frequency in large population cohorts (gnomAD); In silico analysis supports that this missense variant does not alter protein structure/function; Has not been previously published as pathogenic or benign to our knowledge